The following is an entry in ClinVar:

NM_015065.3(EXPH5):c.160G>C (p.Gly54Arg)

Gene: EXPH5 (exophilin 5; minus strand). Cytogenetic location: 11q22.3.
Variant type: single nucleotide variant.
Coding change: c.160G>C on transcript NM_015065.3 (MANE Select); coding-DNA position 160, G replaced by C.
Protein change: p.Gly54Arg; replaces glycine 54 with arginine.
Molecular consequence: missense variant. On other transcripts: 5 prime UTR variant (1).
Genome position (GRCh38, 1-based): chr11:108,541,772, C>G on the plus strand (G>C on the coding strand, the complement: EXPH5 is on the minus strand). VCF-style: chr11-108541772-C-G. GRCh37 (hg19) VCF-style: chr11-108412499-C-G.
Other names: c.-69G>C (NM_001144763.2); c.139G>C, p.Gly47Arg (NM_001308019.2); c.160G>C (NM_015065.2); short protein forms G47R, G54R.
Identifiers: ClinVar variation 1906426 (VCV001906426.6), dbSNP rs149269295, ClinGen allele CA6268340.

ClinVar aggregate classification (germline): Uncertain significance. Review status: criteria provided, multiple submitters, no conflicts (2 of 4 stars). 2 submissions from 2 submitters: Uncertain significance (2). Last evaluated 2025-01-27.

Conditions:
Inborn genetic diseases. Identifiers: MedGen C0950123, MeSH D030342.

Allele frequency attached by ClinVar (database versions not stated): gnomAD 0.00011; ESP Exome Variant Server 0.00031.
gnomAD v4.1: 127 of 1,611,332 alleles (0.0079%); highest among the groups gnomAD compares: Non-Finnish European, 0.01%; no homozygotes.

Submissions (2):

Labcorp Genetics (formerly Invitae), Labcorp
Classification: Uncertain significance. Last evaluated: 2025-01-27. Review status: criteria provided, single submitter. Criteria: Invitae Variant Classification Sherloc (09022015). Collection method: clinical testing. Allele origin: germline.
Comment: This sequence change replaces glycine, which is neutral and non-polar, with arginine, which is basic and polar, at codon 54 of the EXPH5 protein (p.Gly54Arg). This variant is present in population databases (rs149269295, gnomAD 0.02%). This variant has not been reported in the literature in individuals affected with EXPH5-related conditions. ClinVar contains an entry for this variant (Variation ID: 1906426). An algorithm developed to predict the effect of missense changes on protein structure and function (PolyPhen-2) suggests that this variant is likely to be disruptive. In summary, the available evidence is currently insufficient to determine the role of this variant in disease. Therefore, it has been classified as a Variant of Uncertain Significance.

Ambry Genetics
Classification: Uncertain significance for Inborn genetic diseases. Last evaluated: 2024-08-11. Review status: criteria provided, single submitter. Criteria: Ambry Variant Classification Scheme 2023. Collection method: clinical testing. Allele origin: germline.